The following is an entry in ClinVar:

ClinVar aggregate classification (germline): Benign/Likely benign. Review status: criteria provided, multiple submitters, no conflicts (2 of 4 stars). 9 submissions from 9 submitters: Benign (2); Likely benign (6). 1 of the submissions does not count toward it. Last evaluated 2026-01-27.

Conditions:
Familial ovarian cancer. Identifiers: MedGen C5679802, MONDO:0016248.
Hereditary cancer-predisposing syndrome. Also called: Neoplastic Syndromes, Hereditary; Hereditary Cancer Syndrome; Tumor predisposition; Hereditary neoplastic syndrome. Identifiers: Orphanet 140162, MedGen C0027672, MeSH D009386, MONDO:0015356.
Ataxia-telangiectasia syndrome (AT). Also called: Ataxia-telangiectasia, complementation group D; AT, COMPLEMENTATION GROUP C; Ataxia-telangiectasia; ATAXIA-TELANGIECTASIA, COMPLEMENTATION GROUP A; ATAXIA-TELANGIECTASIA, FRESNO VARIANT; Ataxia-telangiectasia, complementation group E. Identifiers: Orphanet 100, MedGen C0004135, MONDO:0008840, OMIM 208900.

Submissions (9):

Labcorp Genetics (formerly Invitae), Labcorp
Classification: Benign for Ataxia-telangiectasia syndrome. Last evaluated: 2026-01-27. Review status: criteria provided, single submitter. Criteria: Invitae Variant Classification Sherloc (09022015). Collection method: clinical testing. Allele origin: germline.

Center for Genomic Medicine, Rigshospitalet, Copenhagen University Hospital
Classification: Likely benign. Last evaluated: 2025-03-04. Review status: criteria provided, single submitter. Criteria: ACMG Guidelines, 2015. Collection method: clinical testing. Allele origin: germline.

Laboratory of Genetics, Children's Clinical University Hospital Latvia
Classification: Likely benign. Last evaluated: 2025-02-16. Review status: criteria provided, single submitter. Criteria: ACMG Guidelines, 2015. Collection method: clinical testing. Allele origin: germline. Affected: yes.

Genetic Services Laboratory, University of Chicago
Classification: Likely benign. Last evaluated: 2020-04-22. Review status: criteria provided, single submitter. Criteria: ACMG Guidelines, 2015. Collection method: clinical testing. Allele origin: germline. Affected: no.

PreventionGenetics, part of Exact Sciences
Classification: Likely benign. Last evaluated: 2016-12-30. Review status: criteria provided, single submitter. Criteria: ACMG Guidelines, 2015. Collection method: clinical testing. Allele origin: germline.

Color Diagnostics, LLC DBA Color Health
Classification: Likely benign for Hereditary cancer-predisposing syndrome. Last evaluated: 2016-02-10. Review status: criteria provided, single submitter. Criteria: ACMG Guidelines, 2015. Collection method: clinical testing. Allele origin: germline.

GeneDx
Classification: Benign for Neoplastic Syndromes, Hereditary. Last evaluated: 2014-10-09. Review status: criteria provided, single submitter. Criteria: GeneDx Variant Classification (06012015). Collection method: clinical testing. Allele origin: germline. Affected: yes.
Comment: The variant is found in BR-OV-HEREDIC,HEREDICANCER panel(s).

Ambry Genetics
Classification: Likely benign for Hereditary cancer-predisposing syndrome. Last evaluated: 2012-12-28. Review status: criteria provided, single submitter. Criteria: Ambry Autosomal Dominant and X-Linked criteria (10/2015). Collection method: clinical testing. Allele origin: germline. Observed: 1 variant allele.

Department of Pathology and Laboratory Medicine, Sinai Health System
Classification: Uncertain significance for Familial ovarian cancer. Review status: no assertion criteria provided. Collection method: clinical testing. Allele origin: unknown. Affected: yes. Study: The Canadian Open Genetics Repository (COGR). Not counted in ClinVar's aggregate classification.
Comment: The ATM c.7927+13dup variant was not identified in the literature nor was it identified in the LOVD 3.0 database. The variant was identified in dbSNP (ID: rs587781324) as "With other allele", ClinVar (classified as benign by Invitae and GeneDx; and as likely benign by Ambry Genetics, Color and Prevention Genetics). The variant was not identified in the Exome Aggregation Consortium (August 8th 2016) or the Genome Aggregation Database (Feb 27, 2017). The variant occurs outside of the splicing consensus sequence and 1 of 4 in silico or computational prediction software programs (SpliceSiteFinder, MaxEntScan, NNSPLICE, GeneSplicer) predict a greater than 10% difference in splicing; this is not very predictive of pathogenicity. In summary, based on the above information, the clinical significance of this variant cannot be determined with certainty at this time. This variant is classified as a variant of uncertain significance.

NM_000051.4(ATM):c.7927+13dup

Genes: ATM (ATM serine/threonine kinase; plus strand), C11orf65 (chromosome 11 open reading frame 65; minus strand). Cytogenetic location: 11q22.3.
Variant type: Duplication.
Coding change: c.7927+13dup on transcript NM_000051.4 (MANE Select); 13 bases into the intron after coding-DNA position 7927, one base duplicated (T; older notation c.7927+13dupT).
Molecular consequence: intron variant.
Genome position (GRCh38, 1-based): chr11:108,332,913, T duplicated; the last of 8 consecutive T bases (chr11:108,332,906-108,332,913); duplicating any one gives the same sequence. VCF-style (leftmost placement, unchanged base first): chr11-108332905-G-GT. GRCh37 (hg19) VCF-style: chr11-108203632-G-GT.
Other names: c.7927+13dupT (NM_000051.4, NM_000051.3); c.7927+13dup (NM_001351834.2); c.641-23835dup (NM_001330368.2); c.*38+2314dup (NM_001351110.2).
Identifiers: ClinVar variation 140857 (VCV000140857.25), dbSNP rs587781324, ClinGen allele CA293950.